The following is an entry in ClinVar:

NM_014264.5(PLK4):c.268G>C (p.Glu90Gln)

Gene: PLK4 (polo like kinase 4; plus strand). Cytogenetic location: 4q28.1.
Variant type: single nucleotide variant.
Coding change: c.268G>C on transcript NM_014264.5 (MANE Select); coding-DNA position 268, G replaced by C.
Protein change: p.Glu90Gln; replaces glutamic acid 90 with glutamine.
Molecular consequence: missense variant.
Genome position (GRCh38, 1-based): chr4:127,883,484, G>C. VCF-style: chr4-127883484-G-C. GRCh37 (hg19) VCF-style: chr4-128804639-G-C.
Other names: c.172G>C, p.Glu58Gln (NM_001190799.2); c.145G>C, p.Glu49Gln (NM_001190801.2); short protein forms E49Q, E58Q, E90Q.
Identifiers: ClinVar variation 1521645 (VCV001521645.6), dbSNP rs1735007427, ClinGen allele CA358167622.

ClinVar aggregate classification (germline): Uncertain significance (1 of 4 stars; one submission).

Allele frequency attached by ClinVar (database versions not stated): TOPMed below 0.00001.

Submission:

Labcorp Genetics (formerly Invitae), Labcorp
Classification: Uncertain significance. Last evaluated: 2022-11-01. Review status: criteria provided, single submitter. Criteria: Invitae Variant Classification Sherloc (09022015). Collection method: clinical testing. Allele origin: germline.
Comment: In summary, the available evidence is currently insufficient to determine the role of this variant in disease. Therefore, it has been classified as a Variant of Uncertain Significance. Algorithms developed to predict the effect of missense changes on protein structure and function (SIFT, PolyPhen-2, Align-GVGD) all suggest that this variant is likely to be disruptive. ClinVar contains an entry for this variant (Variation ID: 1521645). This variant has not been reported in the literature in individuals affected with PLK4-related conditions. This variant is not present in population databases (gnomAD no frequency). This sequence change replaces glutamic acid, which is acidic and polar, with glutamine, which is neutral and polar, at codon 90 of the PLK4 protein (p.Glu90Gln).